The following is an entry in ClinVar:

ClinVar aggregate classification (germline): Uncertain significance. Review status: criteria provided, multiple submitters, no conflicts (2 of 4 stars). 7 submissions from 7 submitters: Uncertain significance (5). 2 of the submissions do not count toward it. Last evaluated 2025-12-22.

Conditions:
Ehlers-Danlos syndrome, dermatosparaxis type. Also called: Dermatosparaxis; Ehlers-Danlos syndrome, type VII, autosomal recessive; EDS VIIC. Identifiers: Orphanet 1901, MedGen C2700425, MONDO:0009161, OMIM 225410.
ADAMTS2-related disorder. Also called: ADAMTS2-related condition.

Allele frequency attached by ClinVar (database versions not stated): gnomAD 0.00002 and 0.00003; TOPMed 0.00002; ESP Exome Variant Server 0.00015.
gnomAD v4.1: 66 of 1,611,724 alleles (0.0041%); highest among the groups gnomAD compares: Non-Finnish European, 0.0053%; no homozygotes.

Submissions (7):

Women's Health and Genetics/Laboratory Corporation of America, LabCorp
Classification: Uncertain significance. Last evaluated: 2025-12-22. Review status: criteria provided, single submitter. Criteria: LabCorp Variant Classification Summary - May 2015. Collection method: clinical testing. Allele origin: germline.
Comment: Variant summary: ADAMTS2 c.655C>T (p.Pro219Ser) results in a non-conservative amino acid change in the encoded protein sequence. Algorithms developed to predict the effect of missense changes on protein structure and function are either unavailable or do not agree on the potential impact of this missense change. The variant allele was found at a frequency of 2.8e-05 in 249562 control chromosomes (gnomAD). The available data on variant occurrences in the general population are insufficient to allow any conclusion about variant significance. To our knowledge, no occurrence of c.655C>T in individuals affected with ADAMTS2-related conditions and no experimental evidence demonstrating its impact on protein function have been reported. ClinVar contains an entry for this variant (Variation ID: 419919). Based on the evidence outlined above, the variant was classified as uncertain significance.

Mayo Clinic Laboratories, Mayo Clinic
Classification: Uncertain significance. Last evaluated: 2025-09-22. Review status: criteria provided, single submitter. Criteria: ACMG Guidelines, 2015. Collection method: clinical testing. Allele origin: germline. Observed: 1 variant allele.
Comment: BP4_moderate

Labcorp Genetics (formerly Invitae), Labcorp
Classification: Uncertain significance for Ehlers-Danlos syndrome, dermatosparaxis type. Last evaluated: 2022-04-08. Review status: criteria provided, single submitter. Criteria: Invitae Variant Classification Sherloc (09022015). Collection method: clinical testing. Allele origin: germline.
Comment: This sequence change replaces proline, which is neutral and non-polar, with serine, which is neutral and polar, at codon 219 of the ADAMTS2 protein (p.Pro219Ser). This variant is present in population databases (rs146217716, gnomAD 0.007%). This variant has not been reported in the literature in individuals affected with ADAMTS2-related conditions. ClinVar contains an entry for this variant (Variation ID: 419919). Algorithms developed to predict the effect of missense changes on protein structure and function are either unavailable or do not agree on the potential impact of this missense change (SIFT: "Deleterious"; PolyPhen-2: "Benign"; Align-GVGD: "Class C0"). In summary, the available evidence is currently insufficient to determine the role of this variant in disease. Therefore, it has been classified as a Variant of Uncertain Significance.

Fulgent Genetics
Classification: Uncertain significance for Ehlers-Danlos syndrome, dermatosparaxis type. Last evaluated: 2018-10-31. Review status: criteria provided, single submitter. Criteria: ACMG Guidelines, 2015. Collection method: clinical testing. Allele origin: unknown.

GeneDx
Classification: Uncertain significance. Last evaluated: 2017-03-01. Review status: criteria provided, single submitter. Criteria: GeneDx Variant Classification (06012015). Collection method: clinical testing. Allele origin: germline. Affected: yes.
Comment: The P219S variant in the ADAMTS2 gene has not been reported previously as a pathogenic variant, nor as a benign variant, in association with dermatosparaxis type EDS to our knowledge. The P219S variant is not observed at a significant frequency in large population cohorts (Lek et al., 2016; 1000 Genomes Consortium et al., 2015; Exome Variant Server). The P219S variant is a non-conservative amino acid substitution, which is likely to impact secondary protein structure as these residues differ in polarity, charge, size and/or other properties. This substitution occurs at a position that is not conserved. In silico analysis predicts this variant likely does not alter the protein structure/function. We interpret P219S as a variant of uncertain significance.

PreventionGenetics, part of Exact Sciences
Classification: Uncertain significance for ADAMTS2-related condition. Last evaluated: 2024-06-17. Review status: no assertion criteria provided. Collection method: clinical testing. Allele origin: germline. Not counted in ClinVar's aggregate classification.
Comment: The ADAMTS2 c.655C>T variant is predicted to result in the amino acid substitution p.Pro219Ser. To our knowledge, this variant has not been reported in the literature. This variant is reported in 0.012% of alleles in individuals of African descent in gnomAD. At this time, the clinical significance of this variant is uncertain due to the absence of conclusive functional and genetic evidence.

Natera, Inc.
Classification: Uncertain significance for Ehlers-Danlos syndrome type VIIC. Last evaluated: 2020-09-16. Review status: no assertion criteria provided. Collection method: clinical testing. Allele origin: germline. Not counted in ClinVar's aggregate classification.

NM_014244.5(ADAMTS2):c.655C>T (p.Pro219Ser)

Gene: ADAMTS2 (ADAM metallopeptidase with thrombospondin type 1 motif 2; minus strand). Cytogenetic location: 5q35.3.
Variant type: single nucleotide variant.
Coding change: c.655C>T on transcript NM_014244.5 (MANE Select); coding-DNA position 655, C replaced by T.
Protein change: p.Pro219Ser; replaces proline 219 with serine.
Molecular consequence: missense variant.
Genome position (GRCh38, 1-based): chr5:179,272,944, G>A on the plus strand (C>T on the coding strand, the complement: ADAMTS2 is on the minus strand). VCF-style: chr5-179272944-G-A. GRCh37 (hg19) VCF-style: chr5-178699945-G-A.
Other names: p.Pro219Ser; c.655C>T, p.Pro219Ser (NM_021599.4); short protein forms P219S.
Identifiers: ClinVar variation 419919 (VCV000419919.11), dbSNP rs146217716, ClinGen allele CA3596241.